The following is an entry in ClinVar:

NM_015272.5(RPGRIP1L):c.1699+1G>A

Gene: RPGRIP1L (RPGRIP1 like; minus strand). Cytogenetic location: 16q12.2.
Variant type: single nucleotide variant.
Coding change: c.1699+1G>A on transcript NM_015272.5 (MANE Select); the canonical splice donor site of the intron after coding-DNA position 1699, G replaced by A.
Molecular consequence: splice donor variant.
Genome position (GRCh38, 1-based): chr16:53,656,471, C>T on the plus strand (G>A on the coding strand, the complement: RPGRIP1L is on the minus strand). VCF-style: chr16-53656471-C-T. GRCh37 (hg19) VCF-style: chr16-53690383-C-T.
Other names: c.1699+1G>A (NM_001127897.4, NM_001330538.2, NM_001308334.3).
Identifiers: ClinVar variation 4060835 (VCV004060835.2).
Genomic context (GRCh38, chr16:53,656,471, plus strand): 5'-TCAACTGTTATAAAATCCATTCCTCTAGTTACTGTGGACCAAAAAATCGTATATGTTGTA[C>T]CTTCTAGTTTATGGATACGTGCAGCCCTGATATCAAGAAGATGAACATACTGTTCCACTT-3'

ClinVar aggregate classification (germline): Pathogenic (1 of 4 stars; one submission).

Conditions:
Joubert syndrome. Also called: CEREBELLOPARENCHYMAL DISORDER IV; JOUBERT-BOLTSHAUSER SYNDROME; Familial aplasia of the vermis. Identifiers: Orphanet 475, MedGen C5979921, MONDO:0018772.

Submission:

Natera, Inc.
Classification: Pathogenic for Joubert syndrome. Last evaluated: 2025-04-14. Review status: criteria provided, single submitter. Criteria: Natera Variant Classification Schema (03/2026). Collection method: clinical testing. Allele origin: germline.
Comment: The c.1699+1G>A variant in RPGRIP1L is a canonical splice donor site variant predicted to affect pre-mRNA splicing, which may result in an abnormal transcript and altered protein product. This variant is expected to result in nonsense mediated decay, truncation, or a dysfunctional protein product. This variant is rare in the general population with a frequency below the threshold expected for the associated phenotype(s). This variant has been observed in one or more individuals affected with the associated recessive disease, as either homozygous or compound heterozygous with a second variant (PMID: 36580738). Given the available evidence, this variant is classified as Pathogenic.

Literature cited by the submitters: PubMed 36580738.